The following is an entry in ClinVar:

NM_001005242.3(PKP2):c.1263C>T (p.Asn421=)

Gene: PKP2 (plakophilin 2; minus strand). Cytogenetic location: 12p11.21.
Variant type: single nucleotide variant.
Coding change: c.1263C>T on transcript NM_001005242.3 (MANE Select); coding-DNA position 1263, C replaced by T.
Protein change: p.Asn421=; no amino-acid change (asparagine 421 retained).
Molecular consequence: synonymous variant.
Genome position (GRCh38, 1-based): chr12:32,850,881, G>A on the plus strand (C>T on the coding strand, the complement: PKP2 is on the minus strand). VCF-style: chr12-32850881-G-A. GRCh37 (hg19) VCF-style: chr12-33003815-G-A.
Other names: c.1263C>T, p.Asn421= (NM_001407155.1, NM_001407156.1, NM_001407157.1 and 2 more transcripts); c.936C>T, p.Asn312= (NM_001407158.1, NM_001407159.1, NM_001407160.1 and 1 more transcripts).
Identifiers: ClinVar variation 1694664 (VCV001694664.33), dbSNP rs2137862862, ClinGen allele CA479177924.

ClinVar aggregate classification (germline): Likely benign. Review status: criteria provided, multiple submitters, no conflicts (2 of 4 stars). 2 submissions from 2 submitters: Likely benign (2). Last evaluated 2023-07-10.

Conditions:
Cardiomyopathy (CMYO). Also called: Cardiomyopathies. Identifiers: Orphanet 167848, MedGen C0878544, MONDO:0004994, HP:0001638. Inheritance: Various modes of inheritance.

Allele frequency attached by ClinVar (database versions not stated): gnomAD exomes below 0.00001.
gnomAD v4.1: 1 of 1,613,954 alleles (0.000062%); highest among the groups gnomAD compares: Non-Finnish European, 0.000085%; no homozygotes.

Submissions (2):

Color Diagnostics, LLC DBA Color Health
Classification: Likely benign for Cardiomyopathy. Last evaluated: 2023-07-10. Review status: criteria provided, single submitter. Criteria: ACMG Guidelines, 2015. Collection method: clinical testing. Allele origin: germline.

CeGaT Center for Human Genetics Tuebingen
Classification: Likely benign. Last evaluated: 2022-07-01. Review status: criteria provided, single submitter. Criteria: CeGaT Center For Human Genetics Tuebingen Variant Classification Criteria Version 2. Collection method: clinical testing. Allele origin: germline. Affected: yes. Observed: 1 variant allele.
Comment: PKP2: PM2:Supporting, BP4, BP7